The following is an entry in ClinVar:

ClinVar aggregate classification (germline): Benign/Likely benign. Review status: criteria provided, multiple submitters, no conflicts (2 of 4 stars). 7 submissions from 7 submitters: Benign (3); Likely benign (4). Last evaluated 2026-02-04.

Conditions:
Noonan syndrome and Noonan-related syndrome. Identifiers: Orphanet 98733, MedGen C5681679, MONDO:0020297.

Allele frequency attached by ClinVar (database versions not stated): ESP Exome Variant Server 0.00008; gnomAD exomes 0.00009 and 0.00034; gnomAD 0.00010 and 0.00014; TOPMed 0.00027; ExAC 0.00038; 1000 Genomes Project 30x 0.00125; 1000 Genomes Project 0.00140.
gnomAD v4.1: 229 of 1,612,794 alleles (0.014%); highest among the groups gnomAD compares: East Asian, 0.31%; 2 homozygotes.

Submissions (7):

Labcorp Genetics (formerly Invitae), Labcorp
Classification: Benign. Last evaluated: 2026-02-04. Review status: criteria provided, single submitter. Criteria: Invitae Variant Classification Sherloc (09022015). Collection method: clinical testing. Allele origin: germline.

Mayo Clinic Laboratories, Mayo Clinic
Classification: Likely benign. Last evaluated: 2024-12-18. Review status: criteria provided, single submitter. Criteria: ACMG Guidelines, 2015. Collection method: clinical testing. Allele origin: germline. Observed: 1 variant allele.
Comment: BS1, BP4, BP7

Blueprint Genetics
Classification: Likely benign. Last evaluated: 2024-11-22. Review status: criteria provided, single submitter. Criteria: ACMG Guidelines, 2015. Collection method: clinical testing. Allele origin: germline.

ARUP Laboratories, Molecular Genetics and Genomics, ARUP Laboratories
Classification: Likely benign. Last evaluated: 2023-12-15. Review status: criteria provided, single submitter. Criteria: ARUP Molecular Germline Variant Investigation Process 2024. Collection method: clinical testing. Allele origin: germline.

Genome Diagnostics Laboratory, The Hospital for Sick Children
Classification: Benign for Noonan syndrome and Noonan-related syndrome. Last evaluated: 2020-09-23. Review status: criteria provided, single submitter. Criteria: ACMG Guidelines, 2015. Collection method: clinical testing. Allele origin: germline.

Women's Health and Genetics/Laboratory Corporation of America, LabCorp
Classification: Benign. Last evaluated: 2019-08-19. Review status: criteria provided, single submitter. Criteria: LabCorp Variant Classification Summary - May 2015. Collection method: clinical testing. Allele origin: germline.
Comment: Variant summary: LZTR1 c.263+7G>A alters a non-conserved nucleotide located close to a canonical splice site and therefore could affect mRNA splicing, leading to a significantly altered protein sequence. 3/5 computational tools predict no significant impact on normal splicing. However, these predictions have yet to be confirmed by functional studies. The variant allele was found at a frequency of 0.00034 in 251464 control chromosomes (gnomAD). The observed variant frequency is approximately 68-folds over the estimated maximal expected allele frequency for a pathogenic variant in LZTR1 causing Noonan Syndrome and Related Conditions phenotype (5e-06), strongly suggesting that the variant is benign. To our knowledge, no occurrence of c.263+7G>A in individuals affected with Noonan Syndrome and Related Conditions and no experimental evidence demonstrating its impact on protein function have been reported. No submitters have provided clinical-significance assessments for this variant to ClinVar after 2014. Based on the evidence outlined above, the variant was classified as benign.

CeGaT Center for Human Genetics Tuebingen
Classification: Likely benign. Last evaluated: 2019-04-01. Review status: criteria provided, single submitter. Criteria: CeGaT Center For Human Genetics Tuebingen Variant Classification Criteria Version 2. Collection method: clinical testing. Allele origin: germline. Affected: yes. Observed: 1 variant allele.

NM_006767.4(LZTR1):c.263+7G>A

Gene: LZTR1 (leucine zipper like post translational regulator 1; plus strand). Cytogenetic location: 22q11.21.
Variant type: single nucleotide variant.
Coding change: c.263+7G>A on transcript NM_006767.4 (MANE Select); 7 bases into the intron after coding-DNA position 263, G replaced by A.
Molecular consequence: intron variant.
Genome position (GRCh38, 1-based): chr22:20,983,096, G>A. VCF-style: chr22-20983096-G-A. GRCh37 (hg19) VCF-style: chr22-21337385-G-A.
Other names: p.?.
Identifiers: ClinVar variation 705698 (VCV000705698.58), dbSNP rs185749722, ClinGen allele CA10118327.